The following is an entry in ClinVar:

NM_020975.6(RET):c.824G>A (p.Gly275Asp)

Gene: RET (ret proto-oncogene; plus strand). Cytogenetic location: 10q11.21.
Variant type: single nucleotide variant.
Coding change: c.824G>A on transcript NM_020975.6 (MANE Select); coding-DNA position 824, G replaced by A.
Protein change: p.Gly275Asp; replaces glycine 275 with aspartic acid.
Molecular consequence: missense variant.
Genome position (GRCh38, 1-based): chr10:43,105,150, G>A. VCF-style: chr10-43105150-G-A. GRCh37 (hg19) VCF-style: chr10-43600598-G-A.
Other names: c.824G>A, p.Gly275Asp (NM_000323.2, NM_001406743.1, NM_001406744.1 and 8 more transcripts); c.62G>A, p.Gly21Asp (NM_001355216.2); c.695G>A, p.Gly232Asp (NM_001406761.1, NM_001406762.1, NM_001406764.1 and 2 more transcripts); c.536G>A, p.Gly179Asp (NM_001406766.1, NM_001406767.1, NM_001406770.1); short protein forms G179D, G232D, G275D, G21D.
Identifiers: ClinVar variation 1762625 (VCV001762625.7), dbSNP rs143209223, ClinGen allele CA376545222.
Genomic context (GRCh38, chr10:43,105,150, plus strand): 5'-TGGTGCCCTTCCCGGTGACCGTGTACGACGAGGACGACTCGGCGCCCACCTTCCCCGCGG[G>A]CGTCGACACCGCCAGCGCCGTGGTGGAGTTCAAGCGGAAGGAGGTGCTTGTCCGCGCGTG-3'
Protein context (NP_066124.1, residues 265-285): EDDSAPTFPA[Gly275Asp]VDTASAVVEF

ClinVar aggregate classification (germline): Uncertain significance. Review status: criteria provided, multiple submitters, no conflicts (2 of 4 stars). 2 submissions from 2 submitters: Uncertain significance (2). Last evaluated 2025-08-25.

Conditions:
Hereditary cancer-predisposing syndrome. Also called: Neoplastic Syndromes, Hereditary; Tumor predisposition; Hereditary Cancer Syndrome; Hereditary neoplastic syndrome. Identifiers: Orphanet 140162, MedGen C0027672, MeSH D009386, MONDO:0015356.
Multiple endocrine neoplasia, type 2 (MEN2). Identifiers: Orphanet 653, MedGen C4048306, MONDO:0019003. Disease mechanism: gain of function.

gnomAD v4.1: 1 of 1,612,754 alleles (0.000062%); highest among the groups gnomAD compares: Non-Finnish European, 0.000085%; no homozygotes.

Submissions (2):

Labcorp Genetics (formerly Invitae), Labcorp
Classification: Uncertain significance for Multiple endocrine neoplasia, type 2. Last evaluated: 2025-08-25. Review status: criteria provided, single submitter. Criteria: Invitae Variant Classification Sherloc (09022015). Collection method: clinical testing. Allele origin: germline.
Comment: This sequence change replaces glycine, which is neutral and non-polar, with aspartic acid, which is acidic and polar, at codon 275 of the RET protein (p.Gly275Asp). This variant is not present in population databases (gnomAD no frequency). This variant has not been reported in the literature in individuals affected with RET-related conditions. ClinVar contains an entry for this variant (Variation ID: 1762625). An algorithm developed to predict the effect of missense changes on protein structure and function (PolyPhen-2) suggests that this variant is likely to be disruptive. In summary, the available evidence is currently insufficient to determine the role of this variant in disease. Therefore, it has been classified as a Variant of Uncertain Significance.

Ambry Genetics
Classification: Uncertain significance for Hereditary cancer-predisposing syndrome. Last evaluated: 2021-01-19. Review status: criteria provided, single submitter. Criteria: Ambry Variant Classification Scheme 2023. Collection method: clinical testing. Allele origin: germline.
Comment: The p.G275D variant (also known as c.824G>A), located in coding exon 4 of the RET gene, results from a G to A substitution at nucleotide position 824. The glycine at codon 275 is replaced by aspartic acid, an amino acid with similar properties. This amino acid position is well conserved in available vertebrate species. In addition, this alteration is predicted to be deleterious by in silico analysis. Since supporting evidence is limited at this time, the clinical significance of this alteration remains unclear.